The following is an entry in ClinVar:

ClinVar aggregate classification (germline): Likely benign. Review status: criteria provided, multiple submitters, no conflicts (2 of 4 stars). 2 submissions from 2 submitters: Likely benign (2). Last evaluated 2023-12-19.

Allele frequency attached by ClinVar (database versions not stated): ExAC 0.00010; gnomAD 0.00027; TOPMed 0.00032; ESP Exome Variant Server 0.00038; 1000 Genomes Project 30x 0.00047; 1000 Genomes Project 0.00060.

Submissions (2):

Ambry Genetics
Classification: Likely benign. Last evaluated: 2023-12-19. Review status: criteria provided, single submitter. Criteria: Ambry Variant Classification Scheme 2023. Collection method: clinical testing. Allele origin: germline.

CeGaT Center for Human Genetics Tuebingen
Classification: Likely benign. Last evaluated: 2023-09-01. Review status: criteria provided, single submitter. Criteria: CeGaT Center For Human Genetics Tuebingen Variant Classification Criteria Version 2. Collection method: clinical testing. Allele origin: germline. Affected: yes. Observed: 1 variant allele.
Comment: PER3: BP4, BS2

NM_001377275.1(PER3):c.2527C>T (p.Pro843Ser)

Genes: PER3 (period circadian regulator 3; plus strand), LOC126805604 (CDK7 strongly-dependent group 2 enhancer GRCh37_chr1:7886590-7887789; plus strand). Cytogenetic location: 1p36.23.
Variant type: single nucleotide variant.
Coding change: c.2527C>T on transcript NM_001377275.1 (MANE Select); coding-DNA position 2527, C replaced by T.
Protein change: p.Pro843Ser; replaces proline 843 with serine.
Molecular consequence: missense variant.
Genome position (GRCh38, 1-based): chr1:7,827,456, C>T. VCF-style: chr1-7827456-C-T. GRCh37 (hg19) VCF-style: chr1-7887516-C-T.
Other names: c.2527C>T, p.Pro843Ser (NM_001289861.2, NM_001289862.2); c.2506C>T, p.Pro836Ser (NM_001289863.3, NM_001377276.1); c.1570C>T, p.Pro524Ser (NM_001289864.3); c.2503C>T, p.Pro835Ser (NM_016831.4); c.2503C>T (NM_016831.1); short protein forms P524S, P835S, P836S, P843S.
Identifiers: ClinVar variation 2638144 (VCV002638144.25), dbSNP rs142237154, ClinGen allele CA568434.